The following is an entry in ClinVar:

NM_001370658.1(BTD):c.872G>A (p.Ser291Asn)

Gene: BTD (biotinidase; plus strand). Cytogenetic location: 3p25.1.
Variant type: single nucleotide variant.
Coding change: c.872G>A on transcript NM_001370658.1 (MANE Select); coding-DNA position 872, G replaced by A.
Protein change: p.Ser291Asn; replaces serine 291 with asparagine.
Molecular consequence: missense variant. On other transcripts: intron variant (1).
Genome position (GRCh38, 1-based): chr3:15,644,788, G>A. VCF-style: chr3-15644788-G-A. GRCh37 (hg19) VCF-style: chr3-15686295-G-A.
Other names: c.872G>A, p.Ser291Asn (NM_001370752.1, NM_001407364.1, NM_001407365.1 and 18 more transcripts); c.399+2731G>A (NM_001370753.1); c.932G>A, p.Ser311Asn (NM_000060.4); short protein forms S291N.
Identifiers: ClinVar variation 3666195 (VCV003666195.3), dbSNP rs397514394.

ClinVar aggregate classification (germline): Pathogenic/Likely pathogenic. Review status: criteria provided, multiple submitters, no conflicts (2 of 4 stars). 2 submissions from 2 submitters: Pathogenic (1); Likely pathogenic (1). Last evaluated 2025-01-26.

Conditions:
Biotinidase deficiency. Also called: BTD deficiency; Late-onset biotin-responsive multiple carboxylase deficiency; Biotin deficiency. Identifiers: Orphanet 79241, MedGen C0220754, MONDO:0009665, OMIM 253260.

Submissions (2):

Labcorp Genetics (formerly Invitae), Labcorp
Classification: Pathogenic for Biotinidase deficiency. Last evaluated: 2025-01-26. Review status: criteria provided, single submitter. Criteria: Invitae Variant Classification Sherloc (09022015). Collection method: clinical testing. Allele origin: germline.
Comment: This sequence change replaces serine, which is neutral and polar, with asparagine, which is neutral and polar, at codon 311 of the BTD protein (p.Ser311Asn). This variant is not present in population databases (gnomAD no frequency). This missense change has been observed in individual(s) with biotinidase deficiency (PMID: 10400129; internal data). In at least one individual the data is consistent with being in trans (on the opposite chromosome) from a pathogenic variant. Invitae Evidence Modeling of protein sequence and biophysical properties (such as structural, functional, and spatial information, amino acid conservation, physicochemical variation, residue mobility, and thermodynamic stability) indicates that this missense variant is expected to disrupt BTD protein function with a positive predictive value of 95%. For these reasons, this variant has been classified as Pathogenic.

ARUP Laboratories, Molecular Genetics and Genomics, ARUP Laboratories
Classification: Likely pathogenic for Biotinidase deficiency. Last evaluated: 2024-10-14. Review status: criteria provided, single submitter. Criteria: ARUP Molecular Germline Variant Investigation Process 2024. Collection method: clinical testing. Allele origin: germline.
Comment: The BTD c.872G>A; p.Ser291Asn variant (rs397514394), also known as c.932G>A; p.Ser311Asn for NM_000060.2, is reported in the literature in several individuals affected with biotinidase deficiency (Kannan 2022, Norrgard 1999). At least one patient carried a second pathogenic allele and exhibited substantially reduced serum biotinidase activity (Norrgard 1999). The p.Ser291Asn variant is absent from the Genome Aggregation Database (v2.1.1), indicating it is not a common polymorphism. Computational analyses predict that this variant is deleterious (REVEL: 0.827). Additionally, other variants at this codon (c.873T:G, p.Ser291Arg; c.872G>C, p.Ser291Thr) have been reported in individuals with biotinidase deficiency and are considered disease-causing (Carvalho 2019, Iqbal 2010, Kannan 2022). Based on available information, the p.Ser291Asn variant is considered to be likely pathogenic. References: Carvalho NO et al. Novel mutations causing biotinidase deficiency in individuals identified by the newborn screening program in Minas Gerais, Brazil. Am J Med Genet A. 2019 Jun;179(6):978-982. PMID: 30912303. Iqbal F et al. The identification of novel mutations in the biotinidase gene using denaturing high pressure liquid chromatography (dHPLC). Mol Genet Metab. 2010 May;100(1):42-5. PMID: 20083419. Kannan B et al. A Rare Biotinidase Deficiency in the Pediatrics Population: Genotype-Phenotype Analysis. J Pediatr Genet. 2022 Nov 1;12(1):1-15. PMID: 36684547. Norrgard KJ et al. Mutations causing profound biotinidase deficiency in children ascertained by newborn screening in the United States occur at different frequencies than in symptomatic children. Pediatr Res. 1999 Jul;46(1):20-7. PMID: 10400129.

Literature cited by the submitters: PubMed 10400129 (cited by Labcorp Genetics (formerly Invitae), Labcorp).